The following is an entry in ClinVar:

NM_020937.4(FANCM):c.2404A>G (p.Asn802Asp)

Gene: FANCM (FA complementation group M; plus strand). Cytogenetic location: 14q21.2.
Variant type: single nucleotide variant.
Coding change: c.2404A>G on transcript NM_020937.4 (MANE Select); coding-DNA position 2404, A replaced by G.
Protein change: p.Asn802Asp; replaces asparagine 802 with aspartic acid.
Molecular consequence: missense variant.
Genome position (GRCh38, 1-based): chr14:45,175,158, A>G. VCF-style: chr14-45175158-A-G. GRCh37 (hg19) VCF-style: chr14-45644361-A-G.
Other names: c.2326A>G, p.Asn776Asp (NM_001308133.2); short protein forms N776D, N802D.
Identifiers: ClinVar variation 4619502 (VCV004619502.1).
Genomic context (GRCh38, chr14:45,175,158, plus strand): 5'-GAATCTTATTTACAAATGGAAGATGTTACCTCAACATTTATTGCTCCCAGGAATGAATCT[A>G]ATAATCTTGCCAGTGACACCTTTATCACTCACAAGAAATCGTCATTTATAAAGAACATAA-3'
Protein context (NP_065988.1, residues 792-812): STFIAPRNES[Asn802Asp]NLASDTFITH

ClinVar aggregate classification (germline): Uncertain significance (1 of 4 stars; one submission).

Conditions:
Inborn genetic diseases. Identifiers: MedGen C0950123, MeSH D030342.

Submission:

Ambry Genetics
Classification: Uncertain significance for Inborn genetic diseases. Last evaluated: 2025-10-21. Review status: criteria provided, single submitter. Criteria: Ambry Variant Classification Scheme 2023. Collection method: clinical testing. Allele origin: germline.
Comment: The p.N802D variant (also known as c.2404A>G), located in coding exon 14 of the FANCM gene, results from an A to G substitution at nucleotide position 2404. The asparagine at codon 802 is replaced by aspartic acid, an amino acid with highly similar properties. This amino acid position is conserved. In addition, this alteration is predicted to be tolerated by in silico analysis. Based on the available evidence, the clinical significance of this variant remains unclear.